The following is an entry in ClinVar:

NM_170606.3(KMT2C):c.14077C>G (p.Arg4693Gly)

Gene: KMT2C (lysine methyltransferase 2C; minus strand). Cytogenetic location: 7q36.1.
Variant type: single nucleotide variant.
Coding change: c.14077C>G on transcript NM_170606.3 (MANE Select); coding-DNA position 14077, C replaced by G.
Protein change: p.Arg4693Gly; replaces arginine 4693 with glycine.
Molecular consequence: missense variant.
Genome position (GRCh38, 1-based): chr7:152,145,250, G>C on the plus strand (C>G on the coding strand, the complement: KMT2C is on the minus strand). VCF-style: chr7-152145250-G-C. GRCh37 (hg19) VCF-style: chr7-151842335-G-C.
Other names: short protein forms R4693G.
Identifiers: ClinVar variation 1308160 (VCV001308160.2), dbSNP rs2090985295, ClinGen allele CA370088235.
Genomic context (GRCh38, chr7:152,145,250, plus strand): 5'-GTTCAGAACGGGCACAACCTGTGGGGTTAACGGCAAGAGGAAGTTCCATGAGAGGATTTC[G>C]GCCGTATCGGAAGGTATAATTTTCACATGCCTCAACCCCAGGAAGCTGAAAAGAAGCAAA-3'
Protein context (NP_733751.2, residues 4683-4703): ACENYTFRYG[Arg4693Gly]NPLMELPLAV

ClinVar aggregate classification (germline): Uncertain significance (1 of 4 stars; one submission).

Allele frequency attached by ClinVar (database versions not stated): TOPMed below 0.00001.
gnomAD v4.1: 1 of 1,614,134 alleles (0.000062%); highest among the groups gnomAD compares: Non-Finnish European, 0.000085%; no homozygotes.

Submission:

GeneDx
Classification: Uncertain significance. Last evaluated: 2019-08-30. Review status: criteria provided, single submitter. Criteria: GeneDx Variant Classification Process June 2021. Collection method: clinical testing. Allele origin: germline. Affected: yes.
Comment: Not observed in large population cohorts (Lek et al., 2016); In silico analysis, which includes protein predictors and evolutionary conservation, supports a deleterious effect; Has not been previously published as pathogenic or benign to our knowledge